The following is an entry in ClinVar:

ClinVar aggregate classification (germline): Benign. Review status: criteria provided, multiple submitters, no conflicts (2 of 4 stars). 2 submissions from 2 submitters: Benign (2). Last evaluated 2018-01-13.

Conditions:
Isovaleryl-CoA dehydrogenase deficiency (IVA). Also called: ISOVALERIC ACID CoA DEHYDROGENASE DEFICIENCY; IVD DEFICIENCY; Isovaleric acidemia; Classic Isovaleric Acidemia. Identifiers: Orphanet 33, MedGen C0268575, MONDO:0009475, OMIM 243500.

Allele frequency attached by ClinVar (database versions not stated): gnomAD 0.44933 and 0.46239; TOPMed 0.44998; 1000 Genomes Project 30x 0.49391; 1000 Genomes Project 0.50699.

Submissions (2):

Illumina Laboratory Services, Illumina
Classification: Benign for Isovaleryl-CoA dehydrogenase deficiency. Last evaluated: 2018-01-13. Review status: criteria provided, single submitter. Criteria: ICSL Variant Classification Criteria 13 December 2019. Collection method: clinical testing. Allele origin: germline.
Comment: This variant was observed in the ICSL laboratory as part of a predisposition screen in an ostensibly healthy population. It had not been previously curated by ICSL or reported in the Human Gene Mutation Database (HGMD: prior to June 1st, 2018), and was therefore a candidate for classification through an automated scoring system. Utilizing variant allele frequency, disease prevalence and penetrance estimates, and inheritance mode, an automated score was calculated to assess if this variant is too frequent to cause the disease. Based on the score and internal cut-off values, a variant classified as benign is not then subjected to further curation. The score for this variant resulted in a classification of benign for this disease.

Breakthrough Genomics
Classification: Benign. Review status: criteria provided, single submitter. Criteria: ACMG Guidelines, 2015. Collection method: not provided. Allele origin: germline. Inheritance: Autosomal recessive inheritance. Affected: yes.

NM_002225.5(IVD):c.*1610C>T

Gene: IVD (isovaleryl-CoA dehydrogenase; plus strand). Cytogenetic location: 15q15.1.
Variant type: single nucleotide variant.
Coding change: c.*1610C>T on transcript NM_002225.5 (MANE Select); 1610 bases downstream of the stop codon, C replaced by T.
Molecular consequence: 3 prime UTR variant. On other transcripts: intron variant (3).
Genome position (GRCh38, 1-based): chr15:40,419,873, C>T. VCF-style: chr15-40419873-C-T. GRCh37 (hg19) VCF-style: chr15-40712072-C-T.
Other names: c.*1610C>T (NM_001159508.3, NM_001354597.3, NM_001354599.3); c.1225+3511C>T (NM_001354600.3); c.1138+3511C>T (NM_001354598.3, NM_001354601.3).
Identifiers: ClinVar variation 315822 (VCV000315822.6), dbSNP rs11630878, ClinGen allele CA10646917.